The following is an entry in ClinVar:

NM_015335.5(MED13L):c.3512A>G (p.Lys1171Arg)

Gene: MED13L (mediator complex subunit 13L; minus strand). Cytogenetic location: 12q24.21.
Variant type: single nucleotide variant.
Coding change: c.3512A>G on transcript NM_015335.5 (MANE Select); coding-DNA position 3512, A replaced by G.
Protein change: p.Lys1171Arg; replaces lysine 1171 with arginine.
Molecular consequence: missense variant.
Genome position (GRCh38, 1-based): chr12:115,991,442, T>C on the plus strand (A>G on the coding strand, the complement: MED13L is on the minus strand). VCF-style: chr12-115991442-T-C. GRCh37 (hg19) VCF-style: chr12-116429247-T-C.
Other names: short protein forms K1171R.
Identifiers: ClinVar variation 241042 (VCV000241042.43), dbSNP rs147863200, ClinGen allele CA6810975.

ClinVar aggregate classification (germline): Benign/Likely benign. Review status: criteria provided, multiple submitters, no conflicts (2 of 4 stars). 9 submissions from 9 submitters: Benign (3); Likely benign (5). 1 of the submissions does not count toward it. Last evaluated 2026-09-01.

Conditions:
MED13L-related disorder. Also called: MED13L-related condition.
Cardiac anomalies - developmental delay - facial dysmorphism syndrome (MRFACD). Also called: MED13L Syndrome; Impaired intellectual development and distinctive facial features with or without cardiac defects. Identifiers: Orphanet 369891, MedGen C5192431, MONDO:0014773, OMIM 616789.
Dextro-looped transposition of the great arteries. Also called: Dextrotransposition of the great arteries. Identifiers: Orphanet 860, MedGen C3531771, MONDO:0019443, OMIM 608808, HP:0031348.

Allele frequency attached by ClinVar (database versions not stated): gnomAD exomes 0.00277 and 0.00440; ExAC 0.00280; TOPMed 0.00280; gnomAD 0.00360 and 0.00377; 1000 Genomes Project 0.00100; 1000 Genomes Project 30x 0.00109; ESP Exome Variant Server 0.00269.
gnomAD v4.1: 6,946 of 1,614,154 alleles (0.43%); highest among the groups gnomAD compares: Non-Finnish European, 0.53%; 23 homozygotes.

Submissions (9):

CeGaT Center for Human Genetics Tuebingen
Classification: Benign. Last evaluated: 2026-09-01. Review status: criteria provided, single submitter. Criteria: CeGaT Center For Human Genetics Tuebingen Variant Classification Criteria Version 2. Collection method: clinical testing. Allele origin: germline. Affected: yes. Observed: 36 variant alleles.
Comment: MED13L: BS1, BS2

Labcorp Genetics (formerly Invitae), Labcorp
Classification: Benign for Dextro-looped transposition of the great arteries. Last evaluated: 2026-01-26. Review status: criteria provided, single submitter. Criteria: Invitae Variant Classification Sherloc (09022015). Collection method: clinical testing. Allele origin: germline.

Blueprint Genetics
Classification: Likely benign. Last evaluated: 2024-11-26. Review status: criteria provided, single submitter. Criteria: ACMG Guidelines, 2015. Collection method: clinical testing. Allele origin: germline.

Fulgent Genetics
Classification: Likely benign for Cardiac anomalies - developmental delay - facial dysmorphism syndrome. Last evaluated: 2022-03-04. Review status: criteria provided, single submitter. Criteria: ACMG Guidelines, 2015. Collection method: clinical testing. Allele origin: unknown.

GeneDx
Classification: Benign. Last evaluated: 2019-07-02. Review status: criteria provided, single submitter. Criteria: GeneDx Variant Classification Process June 2021. Collection method: clinical testing. Allele origin: germline. Affected: yes.

Center for Pediatric Genomic Medicine, Children's Mercy Hospital and Clinics
Classification: Likely benign. Last evaluated: 2017-01-04. Review status: criteria provided, single submitter. Criteria: ACMG Guidelines, 2015. Collection method: clinical testing. Allele origin: germline.
ClinVar note: Converted during submission from Likely Benign to Likely benign.

Genomic Diagnostic Laboratory, Division of Genomic Diagnostics, Children's Hospital of Philadelphia
Classification: Likely benign. Last evaluated: 2015-11-20. Review status: criteria provided, single submitter. Criteria: DGD Variant Analysis Guidelines. Collection method: clinical testing. Allele origin: unknown.

Breakthrough Genomics
Classification: Likely benign. Review status: criteria provided, single submitter. Criteria: ACMG Guidelines, 2015. Collection method: not provided. Allele origin: germline. Inheritance: Autosomal dominant inheritance. Affected: yes.

PreventionGenetics, part of Exact Sciences
Classification: Benign for MED13L-related condition. Last evaluated: 2021-06-17. Review status: no assertion criteria provided. Collection method: clinical testing. Allele origin: germline. Not counted in ClinVar's aggregate classification.
Comment: This variant is classified as benign based on ACMG/AMP sequence variant interpretation guidelines (Richards et al. 2015 PMID: 25741868, with internal and published modifications).